The following is an entry in ClinVar:

NM_004369.4(COL6A3):c.4678G>A (p.Ala1560Thr)

Gene: COL6A3 (collagen type VI alpha 3 chain; minus strand). Cytogenetic location: 2q37.3.
Variant type: single nucleotide variant.
Coding change: c.4678G>A on transcript NM_004369.4 (MANE Select); coding-DNA position 4678, G replaced by A.
Protein change: p.Ala1560Thr; replaces alanine 1560 with threonine.
Molecular consequence: missense variant.
Genome position (GRCh38, 1-based): chr2:237,368,785, C>T on the plus strand (G>A on the coding strand, the complement: COL6A3 is on the minus strand). VCF-style: chr2-237368785-C-T. GRCh37 (hg19) VCF-style: chr2-238277428-C-T.
Other names: p.Ala1560Thr; c.2857G>A, p.Ala953Thr (NM_057166.5); c.4060G>A, p.Ala1354Thr (NM_057167.4); short protein forms A1560T, A1354T, A953T.
Identifiers: ClinVar variation 286912 (VCV000286912.16), dbSNP rs371631320, ClinGen allele CA2188838.

ClinVar aggregate classification (germline): Conflicting classifications of pathogenicity. Review status: criteria provided, conflicting classifications (1 of 4 stars). 5 submissions from 5 submitters: Uncertain significance (4); Benign (1). Last evaluated 2025-12-18.

Conditions:
Inborn genetic diseases. Identifiers: MedGen C0950123, MeSH D030342.
Bethlem myopathy 1A. Also called: Bethlem Muscular Dystrophy; MYOPATHY, BENIGN CONGENITAL, WITH CONTRACTURES; Bethlem myopathy 1. Identifiers: Orphanet 610, MedGen CN029274, MONDO:0024530, OMIM 158810.

Allele frequency attached by ClinVar (database versions not stated): ESP Exome Variant Server 0.00008; TOPMed 0.00009.
gnomAD v4.1: 39 of 1,614,076 alleles (0.0024%); highest among the groups gnomAD compares: African/African-American, 0.012%; no homozygotes.

Submissions (5):

Mayo Clinic Laboratories, Mayo Clinic
Classification: Uncertain significance. Last evaluated: 2025-12-18. Review status: criteria provided, single submitter. Criteria: ACMG Guidelines, 2015. Collection method: clinical testing. Allele origin: germline. Observed: 1 variant allele.
Comment: PM2_supporting

Ambry Genetics
Classification: Uncertain significance for Inborn genetic diseases. Last evaluated: 2024-09-18. Review status: criteria provided, single submitter. Criteria: Ambry Variant Classification Scheme 2023. Collection method: clinical testing. Allele origin: germline.

Labcorp Genetics (formerly Invitae), Labcorp
Classification: Benign for Bethlem myopathy 1A. Last evaluated: 2023-04-24. Review status: criteria provided, single submitter. Criteria: Invitae Variant Classification Sherloc (09022015). Collection method: clinical testing. Allele origin: germline.

GeneDx
Classification: Uncertain significance. Last evaluated: 2019-08-26. Review status: criteria provided, single submitter. Criteria: GeneDx Variant Classification Process June 2021. Collection method: clinical testing. Allele origin: germline. Affected: yes.
Comment: In silico analysis, which includes protein predictors and evolutionary conservation, supports a deleterious effect; Has not been previously published as pathogenic or benign to our knowledge

Eurofins Ntd Llc (ga)
Classification: Uncertain significance. Last evaluated: 2016-03-17. Review status: criteria provided, single submitter. Criteria: EGL Classification Definitions 2015. Collection method: clinical testing. Allele origin: germline. Observed: 1 variant allele, 1 heterozygote.